The following is an entry in ClinVar:

ClinVar aggregate classification (germline): Conflicting classifications of pathogenicity. Review status: criteria provided, conflicting classifications (1 of 4 stars). 5 submissions from 5 submitters: Uncertain significance (2); Likely benign (2). 1 of the submissions does not count toward it. Last evaluated 2025-12-12.

Conditions:
Dystrophin deficiency.
Duchenne muscular dystrophy (DMD). Also called: Duchenne Muscular Dystrophy (DMD); MUSCULAR DYSTROPHY, PSEUDOHYPERTROPHIC PROGRESSIVE, DUCHENNE TYPE. Identifiers: Orphanet 98896, MedGen C0013264, MONDO:0010679, OMIM 310200.

Allele frequency attached by ClinVar (database versions not stated): ExAC 0.00001; gnomAD exomes 0.00003.
gnomAD v4.1: 7 of 1,210,849 alleles (0.00058%); highest among the groups gnomAD compares: Admixed American, 0.015%; no homozygotes.

Submissions (5):

Mayo Clinic Laboratories, Mayo Clinic
Classification: Uncertain significance. Last evaluated: 2025-12-12. Review status: criteria provided, single submitter. Criteria: ACMG Guidelines, 2015. Collection method: clinical testing. Allele origin: germline. Observed: 1 variant allele.
Comment: BP4_moderate

Labcorp Genetics (formerly Invitae), Labcorp
Classification: Likely benign for Duchenne muscular dystrophy. Last evaluated: 2025-10-07. Review status: criteria provided, single submitter. Criteria: Invitae Variant Classification Sherloc (09022015). Collection method: clinical testing. Allele origin: germline.

Revvity Omics, Revvity
Classification: Likely benign. Last evaluated: 2024-09-19. Review status: criteria provided, single submitter. Criteria: ACMG Guidelines, 2015. Collection method: clinical testing. Allele origin: germline.

ARUP Laboratories, Molecular Genetics and Genomics, ARUP Laboratories
Classification: Uncertain significance. Last evaluated: 2017-04-27. Review status: criteria provided, single submitter. Criteria: ARUP Molecular Germline Variant Investigation Process. Collection method: clinical testing. Allele origin: germline.

Natera, Inc.
Classification: Uncertain significance for Dystrophin deficiency. Last evaluated: 2020-09-16. Review status: no assertion criteria provided. Collection method: clinical testing. Allele origin: germline. Not counted in ClinVar's aggregate classification.

NM_004006.3(DMD):c.4421G>C (p.Ser1474Thr)

Gene: DMD (dystrophin; minus strand). Cytogenetic location: Xp21.1.
Variant type: single nucleotide variant.
Coding change: c.4421G>C on transcript NM_004006.3 (MANE Select); coding-DNA position 4421, G replaced by C.
Protein change: p.Ser1474Thr; replaces serine 1474 with threonine.
Molecular consequence: missense variant.
Genome position (GRCh38, 1-based): chrX:32,389,598, C>G on the plus strand (G>C on the coding strand, the complement: DMD is on the minus strand). VCF-style: chrX-32389598-C-G. GRCh37 (hg19) VCF-style: chrX-32407715-C-G.
Other names: c.4397G>C, p.Ser1466Thr (NM_000109.4); c.4409G>C, p.Ser1470Thr (NM_004009.3); c.4052G>C, p.Ser1351Thr (NM_004010.3); c.398G>C, p.Ser133Thr (NM_004011.4); c.389G>C, p.Ser130Thr (NM_004012.4); short protein forms S1351T, S130T, S133T, S1466T, S1470T.
Identifiers: ClinVar variation 94626 (VCV000094626.18), dbSNP rs398123956, ClinGen allele CA222400.